The following is an entry in ClinVar:

NM_032444.4(SLX4):c.3170C>T (p.Ser1057Leu)

Gene: SLX4 (SLX4 structure-specific endonuclease subunit; minus strand). Cytogenetic location: 16p13.3.
Variant type: single nucleotide variant.
Coding change: c.3170C>T on transcript NM_032444.4 (MANE Select); coding-DNA position 3170, C replaced by T.
Protein change: p.Ser1057Leu; replaces serine 1057 with leucine.
Molecular consequence: missense variant.
Genome position (GRCh38, 1-based): chr16:3,590,468, G>A on the plus strand (C>T on the coding strand, the complement: SLX4 is on the minus strand). VCF-style: chr16-3590468-G-A. GRCh37 (hg19) VCF-style: chr16-3640469-G-A.
Other names: short protein forms S1057L.
Identifiers: ClinVar variation 3445765 (VCV003445765.3).

ClinVar aggregate classification (germline): Uncertain significance. Review status: criteria provided, multiple submitters, no conflicts (2 of 4 stars). 2 submissions from 2 submitters: Uncertain significance (2). Last evaluated 2024-11-10.

Conditions:
Inborn genetic diseases. Identifiers: MedGen C0950123, MeSH D030342.
Fanconi anemia (FA). Also called: Fanconi's anemia. Identifiers: Orphanet 84, MedGen C0015625, MeSH D005199, MONDO:0019391.

Submissions (2):

Ambry Genetics
Classification: Uncertain significance for Inborn genetic diseases. Last evaluated: 2024-11-10. Review status: criteria provided, single submitter. Criteria: Ambry Variant Classification Scheme 2023. Collection method: clinical testing. Allele origin: germline.

Labcorp Genetics (formerly Invitae), Labcorp
Classification: Uncertain significance for Fanconi anemia. Last evaluated: 2024-09-22. Review status: criteria provided, single submitter. Criteria: Invitae Variant Classification Sherloc (09022015). Collection method: clinical testing. Allele origin: germline.
Comment: This sequence change replaces serine, which is neutral and polar, with leucine, which is neutral and non-polar, at codon 1057 of the SLX4 protein (p.Ser1057Leu). This variant is not present in population databases (gnomAD no frequency). This variant has not been reported in the literature in individuals affected with SLX4-related conditions. An algorithm developed to predict the effect of missense changes on protein structure and function outputs the following: PolyPhen-2: "Benign". The leucine amino acid residue is found in multiple mammalian species, which suggests that this missense change does not adversely affect protein function. In summary, the available evidence is currently insufficient to determine the role of this variant in disease. Therefore, it has been classified as a Variant of Uncertain Significance.